The following is an entry in ClinVar:

ClinVar aggregate classification (germline): Likely pathogenic (1 of 4 stars; one submission).

Conditions:
Junctional epidermolysis bullosa gravis of Herlitz. Also called: Herlitz-type junctional epidermolysis bullosa; EPIDERMOLYSIS BULLOSA, JUNCTIONAL 1B, SEVERE; EPIDERMOLYSIS BULLOSA JUNCTIONALIS, HERLITZ TYPE; EPIDERMOLYSIS BULLOSA, JUNCTIONAL, HERLITZ-PEARSON TYPE; JEB-HERLITZ TYPE; Epidermolysis Bullosa Letalis. Identifiers: Orphanet 79404, MedGen C0079683, MONDO:0009182, OMIM 226700.

Submission:

Myriad Genetics, Inc.
Classification: Likely pathogenic for Junctional epidermolysis bullosa gravis of Herlitz. Last evaluated: 2022-05-18. Review status: criteria provided, single submitter. Criteria: Myriad Women's Health Autosomal Recessive and X-Linked Classification Criteria (2021). Collection method: clinical testing. Allele origin: unknown.
Comment: NM_005562.2(LAMC2):c.2213dupG(N739Kfs*3) is expected to be pathogenic in the context of junctional epidermolysis bullosa, LAMC2-related. This variant is predicted to lead to an abnormal or absent protein product due to the creation of a premature termination codon in LAMC2, a gene where loss-of-function variants are known to be pathogenic. Please note: this variant was assessed in the context of healthy population screening.

NM_005562.3(LAMC2):c.2213dup (p.Asn739fs)

Gene: LAMC2 (laminin subunit gamma 2; plus strand). Cytogenetic location: 1q25.3.
Variant type: Duplication.
Coding change: c.2213dup on transcript NM_005562.3 (MANE Select); coding-DNA position 2213, one base duplicated (G; older notation c.2213dupG).
Protein change: p.Asn739fs; shifts the reading frame from asparagine 739.
Molecular consequence: frameshift variant.
Genome position (GRCh38, 1-based): chr1:183,232,850, G duplicated; the last of 3 consecutive G bases (chr1:183,232,848-183,232,850); duplicating any one gives the same sequence. VCF-style (leftmost placement, unchanged base first): chr1-183232847-T-TG. GRCh37 (hg19) VCF-style: chr1-183201982-T-TG.
Other names: c.2213dup, p.Asn739fs (NM_018891.3); short protein forms N739fs.
Identifiers: ClinVar variation 1726074 (VCV001726074.2), dbSNP rs2526093353, ClinGen allele CA2580061727.
Genomic context (GRCh38, chr1:183,232,847, plus strand): 5'-GGGATACTCACAGGCTCATCACTCAGATGCAGCTGAGCCTGGCAGAAAGTGAAGCTTCCT[T>TG]GGGAAACACTGTAGGTTTTTGCTGGGCTAGAGTATTGAGAATACTGCTGTGTTGGGAGAC-3'